The following is an entry in ClinVar:

ClinVar aggregate classification (germline): Uncertain significance (1 of 4 stars; one submission).

Allele frequency attached by ClinVar (database versions not stated): TOPMed 0.00001.
gnomAD v4.1: 6 of 1,611,974 alleles (0.00037%); highest among the groups gnomAD compares: East Asian, 0.0089%; no homozygotes.

Submission:

Labcorp Genetics (formerly Invitae), Labcorp
Classification: Uncertain significance. Last evaluated: 2022-03-27. Review status: criteria provided, single submitter. Criteria: Invitae Variant Classification Sherloc (09022015). Collection method: clinical testing. Allele origin: germline.
Comment: This sequence change replaces arginine, which is basic and polar, with histidine, which is basic and polar, at codon 578 of the VPS11 protein (p.Arg578His). This variant is present in population databases (rs782088087, gnomAD 0.01%). This variant has not been reported in the literature in individuals affected with VPS11-related conditions. Experimental studies and prediction algorithms are not available or were not evaluated, and the functional significance of this variant is currently unknown. In summary, the available evidence is currently insufficient to determine the role of this variant in disease. Therefore, it has been classified as a Variant of Uncertain Significance.

NM_021729.6(VPS11):c.1733G>A (p.Arg578His)

Gene: VPS11 (VPS11 core subunit of CORVET and HOPS complexes; plus strand). Cytogenetic location: 11q23.3.
Variant type: single nucleotide variant.
Coding change: c.1733G>A on transcript NM_021729.6 (MANE Select); coding-DNA position 1733, G replaced by A.
Protein change: p.Arg578His; replaces arginine 578 with histidine.
Molecular consequence: missense variant. On other transcripts: non-coding transcript variant (8).
Genome position (GRCh38, 1-based): chr11:119,078,038, G>A. VCF-style: chr11-119078038-G-A. GRCh37 (hg19) VCF-style: chr11-118948748-G-A.
Other names: c.1703G>A, p.Arg568His (NM_001290185.2); c.1745G>A, p.Arg582His (NM_001378218.1, NM_001378219.1); c.1718G>A, p.Arg573His (NM_001378220.1); c.1715G>A, p.Arg572His (NM_001378221.1); short protein forms R572H, R582H, R573H, R578H, R568H.
Identifiers: ClinVar variation 1895986 (VCV001895986.2), dbSNP rs782088087, ClinGen allele CA6313501.
Genomic context (GRCh38, chr11:119,078,038, plus strand): 5'-AGCAGACAACTCAGTTGCTGAAGGGACTTTGTACTGATTATCGGCCCAGCCTCGAAGGCC[G>A]CAGCGATAGGGAGGCCCCAGGCTGCAGGGTGAGGCTGCAGGGAAAAGAGCTTCAGACTGT-3'
Protein context (NP_068375.3, residues 568-588): CTDYRPSLEG[Arg578His]SDREAPGCRA